The following is an entry in ClinVar:

NM_001148.6(ANK2):c.3767C>A (p.Pro1256Gln)

Gene: ANK2 (ankyrin 2; plus strand). Cytogenetic location: 4q26.
Variant type: single nucleotide variant.
Coding change: c.3767C>A on transcript NM_001148.6 (MANE Select); coding-DNA position 3767, C replaced by A.
Protein change: p.Pro1256Gln; replaces proline 1256 with glutamine.
Molecular consequence: missense variant.
Genome position (GRCh38, 1-based): chr4:113,336,752, C>A. VCF-style: chr4-113336752-C-A. GRCh37 (hg19) VCF-style: chr4-114257908-C-A.
Other names: c.3740C>A, p.Pro1247Gln (NM_001127493.3); c.3779C>A, p.Pro1260Gln (NM_001354225.2); c.3668C>A, p.Pro1223Gln (NM_001354228.2, NM_001354258.2); c.3746C>A, p.Pro1249Gln (NM_001354230.2); c.3809C>A, p.Pro1270Gln (NM_001354231.2, NM_001354242.2); c.3803C>A, p.Pro1268Gln (NM_001354232.2); c.3764C>A, p.Pro1255Gln (NM_001354235.2, NM_001354246.2, NM_001354265.2); c.3665C>A, p.Pro1222Gln (NM_001354236.2); and 31 more; short protein forms P1181Q, P1201Q, P1222Q, P1223Q, P1234Q, P1247Q, P1270Q, P432Q.
Identifiers: ClinVar variation 945082 (VCV000945082.9), dbSNP rs764537997, ClinGen allele CA3050910.

ClinVar aggregate classification (germline): Uncertain significance. Review status: criteria provided, multiple submitters, no conflicts (2 of 4 stars). 3 submissions from 3 submitters: Uncertain significance (3). Last evaluated 2024-09-17.

Conditions:
Cardiovascular phenotype. Identifiers: MedGen CN230736.
Long QT syndrome (LQTS). Identifiers: MedGen C0023976, MeSH D008133, MONDO:0002442. Disease mechanism: loss of function. Inheritance: Various modes of inheritance.

gnomAD v4.1: 3 of 1,613,938 alleles (0.00019%); highest among the groups gnomAD compares: Non-Finnish European, 0.00025%; no homozygotes.

Submissions (3):

Ambry Genetics
Classification: Uncertain significance for Cardiovascular phenotype. Last evaluated: 2024-09-17. Review status: criteria provided, single submitter. Criteria: Ambry Variant Classification Scheme 2023. Collection method: clinical testing. Allele origin: germline.
Comment: The p.P1256Q variant (also known as c.3767C>A), located in coding exon 31 of the ANK2 gene, results from a C to A substitution at nucleotide position 3767. The proline at codon 1256 is replaced by glutamine, an amino acid with similar properties. This amino acid position is conserved. In addition, this alteration is predicted to be deleterious by in silico analysis. Based on the available evidence, the clinical significance of this variant remains unclear.

GeneDx
Classification: Uncertain significance. Last evaluated: 2023-12-15. Review status: criteria provided, single submitter. Criteria: GeneDx Variant Classification Process June 2021. Collection method: clinical testing. Allele origin: germline.
Comment: Has not been previously published as pathogenic or benign to our knowledge; Not observed at significant frequency in large population cohorts (gnomAD); In silico analysis supports that this missense variant has a deleterious effect on protein structure/function

Labcorp Genetics (formerly Invitae), Labcorp
Classification: Uncertain significance for Long QT syndrome. Last evaluated: 2019-04-20. Review status: criteria provided, single submitter. Criteria: Invitae Variant Classification Sherloc (09022015). Collection method: clinical testing. Allele origin: germline.
Comment: This sequence change replaces proline with glutamine at codon 1256 of the ANK2 protein (p.Pro1256Gln). The proline residue is highly conserved and there is a moderate physicochemical difference between proline and glutamine. This variant is present in population databases (rs764537997, ExAC 0.001%). This variant has not been reported in the literature in individuals with ANK2-related conditions. Algorithms developed to predict the effect of missense changes on protein structure and function are either unavailable or do not agree on the potential impact of this missense change (SIFT: "Deleterious"; PolyPhen-2: "Probably Damaging"; Align-GVGD: "Class C0"). In summary, the available evidence is currently insufficient to determine the role of this variant in disease. Therefore, it has been classified as a Variant of Uncertain Significance.